The following is an entry in ClinVar:

ClinVar aggregate classification (germline): Uncertain significance (1 of 4 stars; one submission).

Conditions:
Primary dilated cardiomyopathy (DCM). Also called: Dilated Cardiomyopathy. Identifiers: Orphanet 217604, MedGen C0007193, MeSH D002311, MONDO:0005021, HP:0001644. Inheritance: Various modes of inheritance.

Allele frequency attached by ClinVar (database versions not stated): gnomAD exomes 0.00001 and 0.00005; ExAC 0.00002; TOPMed 0.00002; gnomAD 0.00003.
gnomAD v4.1: 84 of 1,614,092 alleles (0.0052%); highest among the groups gnomAD compares: Non-Finnish European, 0.0065%; no homozygotes.

Submission:

Labcorp Genetics (formerly Invitae), Labcorp
Classification: Uncertain significance for Primary dilated cardiomyopathy. Last evaluated: 2025-02-23. Review status: criteria provided, single submitter. Criteria: Invitae Variant Classification Sherloc (09022015). Collection method: clinical testing. Allele origin: germline.
Comment: This sequence change replaces serine, which is neutral and polar, with phenylalanine, which is neutral and non-polar, at codon 94 of the FHL2 protein (p.Ser94Phe). This variant is present in population databases (rs201826187, gnomAD 0.004%). This variant has not been reported in the literature in individuals affected with FHL2-related conditions. ClinVar contains an entry for this variant (Variation ID: 1007875). Invitae Evidence Modeling of protein sequence and biophysical properties (such as structural, functional, and spatial information, amino acid conservation, physicochemical variation, residue mobility, and thermodynamic stability) indicates that this missense variant is not expected to disrupt FHL2 protein function with a negative predictive value of 80%. In summary, the available evidence is currently insufficient to determine the role of this variant in disease. Therefore, it has been classified as a Variant of Uncertain Significance.

NM_001318895.3(FHL2):c.281C>T (p.Ser94Phe)

Genes: C2orf49 (chromosome 2 open reading frame 49; plus strand), FHL2 (four and a half LIM domains 2; minus strand). Cytogenetic location: 2q12.2.
Variant type: single nucleotide variant.
Coding change: c.281C>T on transcript NM_001318895.3 (MANE Select); coding-DNA position 281, C replaced by T.
Protein change: p.Ser94Phe; replaces serine 94 with phenylalanine.
Molecular consequence: missense variant. On other transcripts: 5 prime UTR variant (1), intron variant (2).
Genome position (GRCh38, 1-based): chr2:105,373,609, G>A on the plus strand (C>T on the coding strand, the complement: FHL2 is on the minus strand). VCF-style: chr2-105373609-G-A. GRCh37 (hg19) VCF-style: chr2-105990066-G-A.
Other names: c.281C>T, p.Ser94Phe (NM_001039492.3, NM_001318894.1, NM_001318896.2 and 4 more transcripts); c.-44C>T (NM_001318899.2); c.-11-5870C>T (NM_001318897.2, NM_001318898.2); short protein forms S94F.
Identifiers: ClinVar variation 1007875 (VCV001007875.5), dbSNP rs201826187, ClinGen allele CA1814790.